The following is an entry in ClinVar:

NM_080732.4(EGLN2):c.44C>T (p.Pro15Leu)

Genes: EGLN2 (egl-9 family hypoxia inducible factor 2; plus strand), RAB4B-EGLN2 (RAB4B-EGLN2 readthrough (NMD candidate); plus strand). Cytogenetic location: 19q13.2.
Variant type: single nucleotide variant.
Coding change: c.44C>T on transcript NM_080732.4 (MANE Select); coding-DNA position 44, C replaced by T.
Protein change: p.Pro15Leu; replaces proline 15 with leucine.
Molecular consequence: missense variant. On other transcripts: non-coding transcript variant (1).
Genome position (GRCh38, 1-based): chr19:40,800,616, C>T. VCF-style: chr19-40800616-C-T. GRCh37 (hg19) VCF-style: chr19-41306521-C-T.
Other names: c.44C>T, p.Pro15Leu (NM_053046.4); short protein forms P15L.
Identifiers: ClinVar variation 2561828 (VCV002561828.2), dbSNP rs750657154, ClinGen allele CA9452134.
Genomic context (GRCh38, chr19:40,800,616, plus strand): 5'-ATGAAGACACTGCTGCCATGGACAGCCCGTGCCAGCCGCAGCCCCTAAGTCAGGCTCTCC[C>T]TCAGTTACCAGGGTCTTCGTCAGAGCCCTTGGAGCCTGAGCCTGGCCGGGCCAGGATGGG-3'
Protein context (NP_542770.2, residues 5-25): CQPQPLSQAL[Pro15Leu]QLPGSSSEPL

ClinVar aggregate classification (germline): Uncertain significance (1 of 4 stars; one submission).

Allele frequency attached by ClinVar (database versions not stated): gnomAD exomes below 0.00001; ExAC 0.00001; TOPMed 0.00001.
gnomAD v4.1: 1 of 1,613,024 alleles (0.000062%); highest among the groups gnomAD compares: Admixed American, 0.0017%; no homozygotes.

Submission:

Ambry Genetics
Classification: Uncertain significance. Last evaluated: 2023-04-18. Review status: criteria provided, single submitter. Criteria: Ambry Variant Classification Scheme 2023. Collection method: clinical testing. Allele origin: germline.
Comment: The p.P15L variant (also known as c.44C>T), located in coding exon 1 of the EGLN2 gene, results from a C to T substitution at nucleotide position 44. The proline at codon 15 is replaced by leucine, an amino acid with similar properties. This amino acid position is conserved. In addition, this alteration is predicted to be tolerated by in silico analysis. Since supporting evidence is limited at this time, the clinical significance of this alteration remains unclear.